The following is an entry in ClinVar:

NM_017986.4(SLC52A1):c.530C>T (p.Thr177Ile)

Gene: SLC52A1 (solute carrier family 52 member 1; minus strand). Cytogenetic location: 17p13.2.
Variant type: single nucleotide variant.
Coding change: c.530C>T on transcript NM_017986.4 (MANE Select); coding-DNA position 530, C replaced by T.
Protein change: p.Thr177Ile; replaces threonine 177 with isoleucine.
Molecular consequence: missense variant.
Genome position (GRCh38, 1-based): chr17:5,033,959, G>A on the plus strand (C>T on the coding strand, the complement: SLC52A1 is on the minus strand). VCF-style: chr17-5033959-G-A. GRCh37 (hg19) VCF-style: chr17-4937254-G-A.
Other names: c.530C>T, p.Thr177Ile (NM_001104577.2); short protein forms T177I.
Identifiers: ClinVar variation 1513600 (VCV001513600.8), dbSNP rs548366865, ClinGen allele CA8319770.

ClinVar aggregate classification (germline): Uncertain significance (1 of 4 stars; one submission).

Conditions:
Vitamin B2 deficiency. Identifiers: MedGen C0035528.

Allele frequency attached by ClinVar (database versions not stated): gnomAD exomes 0.00002 and 0.00007; ExAC 0.00005; gnomAD 0.00019 and 0.00021; TOPMed 0.00020; 1000 Genomes Project 0.00080; 1000 Genomes Project 30x 0.00125.
gnomAD v4.1: 56 of 1,614,156 alleles (0.0035%); highest among the groups gnomAD compares: African/African-American, 0.064%; no homozygotes.

Submission:

Labcorp Genetics (formerly Invitae), Labcorp
Classification: Uncertain significance for Vitamin B2 deficiency. Last evaluated: 2025-02-12. Review status: criteria provided, single submitter. Criteria: Invitae Variant Classification Sherloc (09022015). Collection method: clinical testing. Allele origin: germline.
Comment: This sequence change replaces threonine, which is neutral and polar, with isoleucine, which is neutral and non-polar, at codon 177 of the SLC52A1 protein (p.Thr177Ile). This variant is present in population databases (rs548366865, gnomAD 0.07%), and has an allele count higher than expected for a pathogenic variant. This variant has not been reported in the literature in individuals affected with SLC52A1-related conditions. ClinVar contains an entry for this variant (Variation ID: 1513600). An algorithm developed to predict the effect of missense changes on protein structure and function (PolyPhen-2) suggests that this variant is likely to be tolerated. In summary, the available evidence is currently insufficient to determine the role of this variant in disease. Therefore, it has been classified as a Variant of Uncertain Significance.